The following is an entry in ClinVar:

ClinVar aggregate classification (germline): Benign/Likely benign. Review status: criteria provided, multiple submitters, no conflicts (2 of 4 stars). 6 submissions from 6 submitters: Benign (1); Likely benign (4). 1 of the submissions does not count toward it. Last evaluated 2026-08-01.

Conditions:
RAD21-related disorder. Also called: RAD21-related condition; RAD21- Related disorders.
Inborn genetic diseases. Identifiers: MedGen C0950123, MeSH D030342.
Cornelia de Lange syndrome 4 (CDLS4). Also called: RAD21-Related Cornelia de Lange Syndrome; CORNELIA DE LANGE SYNDROME 4 WITH OR WITHOUT MIDLINE BRAIN DEFECTS. Identifiers: Orphanet 199, MedGen C3553517, MONDO:0013864, OMIM 614701.

Allele frequency attached by ClinVar (database versions not stated): 1000 Genomes Project 30x 0.00078; ExAC 0.00093; 1000 Genomes Project 0.00100; gnomAD 0.00266 and 0.00298; ESP Exome Variant Server 0.00323; TOPMed 0.00325.
gnomAD v4.1: 741 of 1,613,220 alleles (0.046%); highest among the groups gnomAD compares: African/African-American, 0.92%; 3 homozygotes.

Submissions (6):

CeGaT Center for Human Genetics Tuebingen
Classification: Likely benign. Last evaluated: 2026-08-01. Review status: criteria provided, single submitter. Criteria: CeGaT Center For Human Genetics Tuebingen Variant Classification Criteria Version 2. Collection method: clinical testing. Allele origin: germline. Affected: yes. Observed: 4 variant alleles.
Comment: RAD21: BP4, BP7

Labcorp Genetics (formerly Invitae), Labcorp
Classification: Benign for Cornelia de Lange syndrome 4. Last evaluated: 2025-12-16. Review status: criteria provided, single submitter. Criteria: Invitae Variant Classification Sherloc (09022015). Collection method: clinical testing. Allele origin: germline.

Blueprint Genetics
Classification: Likely benign. Last evaluated: 2024-08-28. Review status: criteria provided, single submitter. Criteria: ACMG Guidelines, 2015. Collection method: clinical testing. Allele origin: germline.

GeneDx
Classification: Likely benign. Last evaluated: 2020-06-23. Review status: criteria provided, single submitter. Criteria: GeneDx Variant Classification Process June 2021. Collection method: clinical testing. Allele origin: germline. Affected: yes.

Ambry Genetics
Classification: Likely benign for Inborn genetic diseases. Last evaluated: 2017-05-31. Review status: criteria provided, single submitter. Criteria: Ambry Variant Classification Scheme 2023. Collection method: clinical testing. Allele origin: germline.

PreventionGenetics, part of Exact Sciences
Classification: Benign for RAD21-related condition. Last evaluated: 2024-02-18. Review status: no assertion criteria provided. Collection method: clinical testing. Allele origin: germline. Not counted in ClinVar's aggregate classification.
Comment: This variant is classified as benign based on ACMG/AMP sequence variant interpretation guidelines (Richards et al. 2015 PMID: 25741868, with internal and published modifications).

NM_006265.3(RAD21):c.1515C>G (p.Pro505=)

Gene: RAD21 (RAD21 cohesin complex component; minus strand). Cytogenetic location: 8q24.11.
Variant type: single nucleotide variant.
Coding change: c.1515C>G on transcript NM_006265.3 (MANE Select); coding-DNA position 1515, C replaced by G.
Protein change: p.Pro505=; no amino-acid change (proline 505 retained).
Molecular consequence: synonymous variant.
Genome position (GRCh38, 1-based): chr8:116,850,723, G>C on the plus strand (C>G on the coding strand, the complement: RAD21 is on the minus strand). VCF-style: chr8-116850723-G-C. GRCh37 (hg19) VCF-style: chr8-117862962-G-C.
Identifiers: ClinVar variation 473191 (VCV000473191.40), dbSNP rs9297560, ClinGen allele CA4852785.